The following is an entry in ClinVar:

NM_000384.3(APOB):c.8601G>A (p.Leu2867=)

Gene: APOB (apolipoprotein B; minus strand). Cytogenetic location: 2p24.1.
Variant type: single nucleotide variant.
Coding change: c.8601G>A on transcript NM_000384.3 (MANE Select); coding-DNA position 8601, G replaced by A.
Protein change: p.Leu2867=; no amino-acid change (leucine 2867 retained).
Molecular consequence: synonymous variant.
Genome position (GRCh38, 1-based): chr2:21,008,267, C>T on the plus strand (G>A on the coding strand, the complement: APOB is on the minus strand). VCF-style: chr2-21008267-C-T. GRCh37 (hg19) VCF-style: chr2-21231139-C-T.
Identifiers: ClinVar variation 4077000 (VCV004077000.2).

ClinVar aggregate classification (germline): Likely benign. Review status: criteria provided, multiple submitters, no conflicts (2 of 4 stars). 2 submissions from 2 submitters: Likely benign (2). Last evaluated 2025-05-22.

Conditions:
Familial hypercholesterolemia. Also called: Familial hypercholesterolaemia; Familial hypercholesterolemias. Identifiers: MedGen C0020445, MONDO:0005439.

Submissions (2):

GENinCode PLC
Classification: Likely benign for Familial hypercholesterolemia. Last evaluated: 2025-05-22. Review status: criteria provided, single submitter. Criteria: ACMG Guidelines, 2015. Collection method: clinical testing. Allele origin: germline.
Comment: This is a synonymous (silent) variant that is not predicted to impact splicing and occurs at a nucleotide which is not highly conserved. This variant has been classified as Likely Benign (BP4, BP7).

Blueprint Genetics
Classification: Likely benign. Last evaluated: 2024-01-18. Review status: criteria provided, single submitter. Criteria: ACMG Guidelines, 2015. Collection method: clinical testing. Allele origin: germline.